The following is an entry in ClinVar:

NM_000742.4(CHRNA2):c.323A>C (p.Asn108Thr)

Gene: CHRNA2 (cholinergic receptor nicotinic alpha 2 subunit; minus strand). Cytogenetic location: 8p21.2.
Variant type: single nucleotide variant.
Coding change: c.323A>C on transcript NM_000742.4 (MANE Select); coding-DNA position 323, A replaced by C.
Protein change: p.Asn108Thr; replaces asparagine 108 with threonine.
Molecular consequence: missense variant. On other transcripts: 5 prime UTR variant (4).
Genome position (GRCh38, 1-based): chr8:27,469,351, T>G on the plus strand (A>C on the coding strand, the complement: CHRNA2 is on the minus strand). VCF-style: chr8-27469351-T-G. GRCh37 (hg19) VCF-style: chr8-27326868-T-G.
Other names: c.278A>C, p.Asn93Thr (NM_001282455.2); c.-150A>C (NM_001347705.2, NM_001347706.2); c.-136A>C (NM_001347707.2); c.-139A>C (NM_001347708.2); c.323A>C (NM_000742.3); short protein forms N93T, N108T.
Identifiers: ClinVar variation 1520721 (VCV001520721.6), dbSNP rs564532686, ClinGen allele CA4689716.
Genomic context (GRCh38, chr8:27,469,351, plus strand): 5'-ATTCCCGGTACCCGCCACCTGGACTGGAGGAGGGGGGCCCTCACCTGTTTTAGCCAGACG[T>G]TGGTGGTCATCATTTGGTTCTTCTCATCCTGGCCCAGAGAGAGACAGAGGAGCAATTAAA-3'
Protein context (NP_000733.2, residues 98-118): VDEKNQMMTT[Asn108Thr]VWLKQEWSDY

ClinVar aggregate classification (germline): Conflicting classifications of pathogenicity. Review status: criteria provided, conflicting classifications (1 of 4 stars). 2 submissions from 2 submitters: Uncertain significance (1); Likely benign (1). Last evaluated 2025-06-19.

Conditions:
CHRNA2-related disorder. Also called: CHRNA2-related condition.
Familial sleep-related hypermotor epilepsy. Also called: Autosomal Dominant Sleep-Related Hypermotor (Hyperkinetic) Epilepsy. Identifiers: Orphanet 98784, MedGen C3696898, MONDO:0000030.

Allele frequency attached by ClinVar (database versions not stated): gnomAD exomes 0.00001 and below 0.00001; 1000 Genomes Project 0.00020; gnomAD 0.00001; ExAC 0.00005; 1000 Genomes Project 30x 0.00016.
gnomAD v4.1: 3 of 1,556,804 alleles (0.00019%); highest among the groups gnomAD compares: South Asian, 0.0024%; no homozygotes.

Submissions (2):

Labcorp Genetics (formerly Invitae), Labcorp
Classification: Likely benign. Last evaluated: 2025-06-19. Review status: criteria provided, single submitter. Criteria: Invitae Variant Classification Sherloc (09022015). Collection method: clinical testing. Allele origin: germline.

PreventionGenetics, part of Exact Sciences
Classification: Uncertain significance for CHRNA2-related condition. Last evaluated: 2022-12-09. Review status: criteria provided, single submitter. Criteria: ACMG Guidelines, 2015. Collection method: clinical testing. Allele origin: germline.
Comment: The CHRNA2 c.323A>C variant is predicted to result in the amino acid substitution p.Asn108Thr. To our knowledge, this variant has not been reported in the literature. This variant is reported in 0.0043% of alleles in individuals of South Asian descent in gnomAD. At this time, the clinical significance of this variant is uncertain due to the absence of conclusive functional and genetic evidence.